The following is an entry in ClinVar:

NM_001379500.1(COL18A1):c.2294C>A (p.Pro765Gln)

Gene: COL18A1 (collagen type XVIII alpha 1 chain; plus strand). Cytogenetic location: 21q22.3.
Variant type: single nucleotide variant.
Coding change: c.2294C>A on transcript NM_001379500.1 (MANE Select); coding-DNA position 2294, C replaced by A.
Protein change: p.Pro765Gln; replaces proline 765 with glutamine.
Molecular consequence: missense variant.
Genome position (GRCh38, 1-based): chr21:45,493,517, C>A. VCF-style: chr21-45493517-C-A. GRCh37 (hg19) VCF-style: chr21-46913431-C-A.
Other names: c.2834C>A, p.Pro945Gln (NM_030582.4); c.3539C>A, p.Pro1180Gln (NM_130444.3); short protein forms P945Q, P1180Q, P765Q.
Identifiers: ClinVar variation 1367196 (VCV001367196.6), dbSNP rs557802919, ClinGen allele CA410497414.

ClinVar aggregate classification (germline): Uncertain significance (1 of 4 stars; one submission).

gnomAD v4.1: 14 of 1,561,504 alleles (0.0009%); highest among the groups gnomAD compares: Non-Finnish European, 0.0012%; no homozygotes.

Submission:

Labcorp Genetics (formerly Invitae), Labcorp
Classification: Uncertain significance. Last evaluated: 2021-07-13. Review status: criteria provided, single submitter. Criteria: Invitae Variant Classification Sherloc (09022015). Collection method: clinical testing. Allele origin: germline.
Comment: In summary, the available evidence is currently insufficient to determine the role of this variant in disease. Therefore, it has been classified as a Variant of Uncertain Significance. Experimental studies and prediction algorithms are not available or were not evaluated, and the functional significance of this variant is currently unknown. This variant has not been reported in the literature in individuals affected with COL18A1-related conditions. This variant is not present in population databases (ExAC no frequency). This sequence change replaces proline with glutamine at codon 765 of the COL18A1 protein (p.Pro765Gln). There is a moderate physicochemical difference between proline and glutamine.